The following is an entry in ClinVar:

NM_000157.4(GBA1):c.586A>G (p.Lys196Glu)

Genes: GBA1 (glucosylceramidase beta 1; minus strand), LOC106627981 (GBA recombination region; plus strand). Cytogenetic location: 1q22.
Variant type: single nucleotide variant.
Coding change: c.586A>G on transcript NM_000157.4 (MANE Select); coding-DNA position 586, A replaced by G.
Protein change: p.Lys196Glu; replaces lysine 196 with glutamic acid.
Molecular consequence: missense variant.
Genome position (GRCh38, 1-based): chr1:155,238,519, T>C on the plus strand (A>G on the coding strand, the complement: GBA1 is on the minus strand). VCF-style: chr1-155238519-T-C. GRCh37 (hg19) VCF-style: chr1-155208310-T-C.
Other names: c.586A>G, p.Lys196Glu (NM_001005741.3, NM_001005742.3); c.325A>G, p.Lys109Glu (NM_001171811.2); c.439A>G, p.Lys147Glu (NM_001171812.2); short protein forms K109E, K147E, K196E.
Identifiers: ClinVar variation 4817774 (VCV004817774.1).
Genomic context (GRCh38, chr1:155,238,519, plus strand): 5'-AGTTTCTCAACCCCCAGACATCAGGGCCCTCAGGGCCTGAAAAAGCTAGAATGCCTACCT[T>C]GAGCTTGGTATCTTCCTCTGGGAGGCTGAAGTTGTGCAACTGGAAATCATCAGGGGTGTC-3'
Protein context (NP_000148.2, residues 186-206): FSLPEEDTKL[Lys196Glu]IPLIHRALQL

ClinVar aggregate classification (germline): Likely pathogenic (1 of 4 stars; one submission).

Conditions:
Gaucher disease. Also called: Acute cerebral Gaucher disease; Cerebroside lipidosis syndrome; Gaucher splenomegaly; Sphingolipidosis 1; Glucocerebrosidosis; Glucosylceramidase deficiency. Identifiers: Orphanet 355, MedGen C0017205, MONDO:0018150.

Submission:

Natera, Inc.
Classification: Likely pathogenic for Gaucher disease. Last evaluated: 2025-12-11. Review status: criteria provided, single submitter. Criteria: Natera Variant Classification Schema (03/2026). Collection method: clinical testing. Allele origin: germline.
Comment: The c.586A>G variant in GBA1 is a missense variant predicted to cause substitution of lysine to glutamic acid at amino acid 196. This variant is rare in the general population with a frequency below the threshold expected for the associated phenotype(s). This variant has been observed in one or more individuals affected with the associated recessive disease, as either homozygous or compound heterozygous with a second variant (PMID: 30744043). A different variant at the same position has been determined to be Pathogenic or Likely Pathogenic. Computational prediction algorithms indicate this variant is likely to affect gene or protein function. Given the available evidence, this variant is classified as Likely Pathogenic.

Literature cited by the submitters: PubMed 30744043.